The following is an entry in ClinVar:

NM_001369268.1(ACAN):c.7622G>T (p.Cys2541Phe)

Gene: ACAN (aggrecan; plus strand). Cytogenetic location: 15q26.1.
Variant type: single nucleotide variant.
Coding change: c.7622G>T on transcript NM_001369268.1 (MANE Select); coding-DNA position 7622, G replaced by T.
Protein change: p.Cys2541Phe; replaces cysteine 2541 with phenylalanine.
Molecular consequence: missense variant. On other transcripts: intron variant (1).
Genome position (GRCh38, 1-based): chr15:88,874,016, G>T. VCF-style: chr15-88874016-G-T. GRCh37 (hg19) VCF-style: chr15-89417247-G-T.
Other names: c.7508G>T, p.Cys2503Phe (NM_013227.4); c.7220-389G>T (NM_001135.4); short protein forms C2503F, C2541F.
Identifiers: ClinVar variation 1321077 (VCV001321077.2), dbSNP rs1181728986, ClinGen allele CA393731457.

ClinVar aggregate classification (germline): Uncertain significance (1 of 4 stars; one submission).

Submission:

GeneDx
Classification: Uncertain significance. Last evaluated: 2020-08-14. Review status: criteria provided, single submitter. Criteria: GeneDx Variant Classification Process June 2021. Collection method: clinical testing. Allele origin: germline. Affected: yes.
Comment: In silico analysis supports that this missense variant has a deleterious effect on protein structure/function; Has not been previously published as pathogenic or benign to our knowledge